The following is an entry in ClinVar:

NM_001042492.3(NF1):c.2190C>A (p.Asn730Lys)

Gene: NF1 (neurofibromin 1; plus strand). Cytogenetic location: 17q11.2.
Variant type: single nucleotide variant.
Coding change: c.2190C>A on transcript NM_001042492.3 (MANE Select); coding-DNA position 2190, C replaced by A.
Protein change: p.Asn730Lys; replaces asparagine 730 with lysine.
Molecular consequence: missense variant.
Genome position (GRCh38, 1-based): chr17:31,226,623, C>A. VCF-style: chr17-31226623-C-A. GRCh37 (hg19) VCF-style: chr17-29553641-C-A.
Other names: c.2190C>A, p.Asn730Lys (NM_000267.4); short protein forms N730K.
Identifiers: ClinVar variation 1015366 (VCV001015366.5), dbSNP rs1176754107, ClinGen allele CA398982455.

ClinVar aggregate classification (germline): Uncertain significance (1 of 4 stars; one submission).

Conditions:
Neurofibromatosis, type 1 (NF1). Also called: VON RECKLINGHAUSEN DISEASE; Neurofibromatosis, type I; NEUROFIBROMATOSIS, TYPE I, SOMATIC; Peripheral type neurofibromatosis. Identifiers: Orphanet 636, MedGen C0027831, MONDO:0018975, OMIM 162200. Disease mechanism: loss of function.

Submission:

Labcorp Genetics (formerly Invitae), Labcorp
Classification: Uncertain significance for Neurofibromatosis, type 1. Last evaluated: 2020-05-29. Review status: criteria provided, single submitter. Criteria: Invitae Variant Classification Sherloc (09022015). Collection method: clinical testing. Allele origin: germline.
Comment: In summary, the available evidence is currently insufficient to determine the role of this variant in disease. Therefore, it has been classified as a Variant of Uncertain Significance. Algorithms developed to predict the effect of missense changes on protein structure and function (SIFT, PolyPhen-2, Align-GVGD) all suggest that this variant is likely to be tolerated, but these predictions have not been confirmed by published functional studies and their clinical significance is uncertain. This variant has not been reported in the literature in individuals with NF1-related conditions. This variant is not present in population databases (ExAC no frequency). This sequence change replaces asparagine with lysine at codon 730 of the NF1 protein (p.Asn730Lys). The asparagine residue is moderately conserved and there is a moderate physicochemical difference between asparagine and lysine.